The following is an entry in ClinVar:

NM_001387430.1(SH2B1):c.994A>G (p.Thr332Ala)

Gene: SH2B1 (SH2B adaptor protein 1; plus strand). Cytogenetic location: 16p11.2.
Variant type: single nucleotide variant.
Coding change: c.994A>G on transcript NM_001387430.1 (MANE Select); coding-DNA position 994, A replaced by G.
Protein change: p.Thr332Ala; replaces threonine 332 with alanine.
Molecular consequence: missense variant. On other transcripts: 5 prime UTR variant (1).
Genome position (GRCh38, 1-based): chr16:28,867,385, A>G. VCF-style: chr16-28867385-A-G. GRCh37 (hg19) VCF-style: chr16-28878706-A-G.
Other names: c.994A>G, p.Thr332Ala (NM_001145795.2, NM_001145796.2, NM_001145797.2 and 4 more transcripts); c.-15A>G (NM_001308294.2); short protein forms T332A.
Identifiers: ClinVar variation 4987320 (VCV004987320.1).

ClinVar aggregate classification (germline): Uncertain significance (1 of 4 stars; one submission).

Conditions:
SH2B1-related disorder. Also called: SH2B1-related condition.

gnomAD v4.1: 1 of 1,614,188 alleles (0.000062%); highest among the groups gnomAD compares: East Asian, 0.0022%; no homozygotes.

Submission:

PreventionGenetics, part of Exact Sciences
Classification: Uncertain significance for SH2B1-related condition. Last evaluated: 2025-04-09. Review status: criteria provided, single submitter. Criteria: ACMG Guidelines, 2015. Collection method: clinical testing. Allele origin: germline.
Comment: The SH2B1 c.994A>G variant is predicted to result in the amino acid substitution p.Thr332Ala. To our knowledge, this variant has not been reported in the literature or in a large population database (gnomAD), indicating this variant is rare. At this time, the clinical significance of this variant is uncertain due to the absence of conclusive functional and genetic evidence.